The following is an entry in ClinVar:

ClinVar aggregate classification (germline): Conflicting classifications of pathogenicity. Review status: criteria provided, conflicting classifications (1 of 4 stars). 10 submissions from 10 submitters: Pathogenic (1); Likely pathogenic (4); Uncertain significance (3). 2 of the submissions do not count toward it. Last evaluated 2026-05-12.

Conditions:
Medium-chain acyl-coenzyme A dehydrogenase deficiency (ACADMD). Also called: CARNITINE DEFICIENCY SECONDARY TO MEDIUM-CHAIN ACYL-CoA DEHYDROGENASE DEFICIENCY; ACADM DEFICIENCY; MCADH DEFICIENCY; Medium chain acyl-CoA dehydrogenase deficiency; MCAD Deficiency; MCADD. Identifiers: Orphanet 42, MedGen C0220710, MONDO:0008721, OMIM 201450.
ACADM-related disorder. Also called: ACADM-related condition.

Allele frequency attached by ClinVar (database versions not stated): ESP Exome Variant Server 0.00015; TOPMed 0.00033; 1000 Genomes Project 30x 0.00016; ExAC 0.00016; 1000 Genomes Project 0.00020.

Submissions (10):

Myriad Genetics, Inc.
Classification: Uncertain significance for Medium-chain acyl-coenzyme A dehydrogenase deficiency. Last evaluated: 2026-05-12. Review status: criteria provided, single submitter. Criteria: Myriad Autosomal Dominant, Autosomal Recessive and X-Linked Classification Criteria (2023). Collection method: clinical testing. Allele origin: unknown.
Comment: NM_000016.4(ACADM):c.526G>T(A176S) is a missense variant classified as a variant of uncertain significance in the context of medium-chain acyl-CoA dehydrogenase deficiency. A176S has not been observed in cases with relevant disease. Relevant functional assessments of this variant are not available in the literature. A176S has been observed in referenced population frequency databases. In summary, there is insufficient evidence to classify NM_000016.4(ACADM):c.526G>T(A176S) as pathogenic or benign. Please note: this variant was assessed in the context of healthy population screening.

Labcorp Genetics (formerly Invitae), Labcorp
Classification: Pathogenic for Medium-chain acyl-coenzyme A dehydrogenase deficiency. Last evaluated: 2026-01-20. Review status: criteria provided, single submitter. Criteria: Invitae Variant Classification Sherloc (09022015). Collection method: clinical testing. Allele origin: germline.
Comment: This sequence change replaces alanine, which is neutral and non-polar, with serine, which is neutral and polar, at codon 176 of the ACADM protein (p.Ala176Ser). This variant is present in population databases (rs200754053, gnomAD 0.03%). This missense change has been observed in individual(s) with MCAD (internal data). In at least one individual the data is consistent with being in trans (on the opposite chromosome) from a pathogenic variant. ClinVar contains an entry for this variant (Variation ID: 226093). Invitae Evidence Modeling of protein sequence and biophysical properties (such as structural, functional, and spatial information, amino acid conservation, physicochemical variation, residue mobility, and thermodynamic stability) indicates that this missense variant is not expected to disrupt ACADM protein function with a negative predictive value of 80%. For these reasons, this variant has been classified as Pathogenic.

Women's Health and Genetics/Laboratory Corporation of America, LabCorp
Classification: Likely pathogenic for Medium-chain acyl-coenzyme A dehydrogenase deficiency. Last evaluated: 2025-08-14. Review status: criteria provided, single submitter. Criteria: LabCorp Variant Classification Summary - May 2015. Collection method: clinical testing. Allele origin: germline.
Comment: Variant summary: ACADM c.526G>T (p.Ala176Ser) results in a conservative amino acid change located in the Acyl-CoA oxidase/dehydrogenase, middle domain (IPR006091) of the encoded protein sequence. Algorithms developed to predict the effect of missense changes on protein structure and function are either unavailable or do not agree on the potential impact of this missense change. The variant allele was found at a frequency of 0.00017 in 251382 control chromosomes. This frequency is not significantly higher than estimated for a pathogenic variant in ACADM causing Medium Chain Acyl-CoA Dehydrogenase Deficiency (0.00017 vs 0.0054), allowing no conclusion about variant significance. c.526G>T has been observed in individual(s) affected with Medium Chain Acyl-CoA Dehydrogenase Deficiency (internal data). These data indicate that the variant may be associated with disease. To our knowledge, no experimental evidence demonstrating an impact on protein function has been reported. ClinVar contains an entry for this variant (Variation ID: 226093). Based on the evidence outlined above, the variant was classified as likely pathogenic.

Fulgent Genetics
Classification: Likely pathogenic for Medium-chain acyl-coenzyme A dehydrogenase deficiency. Last evaluated: 2024-06-12. Review status: criteria provided, single submitter. Criteria: ACMG Guidelines, 2015. Collection method: clinical testing. Allele origin: germline.

Laboratory of Medical Genetics, National & Kapodistrian University of Athens
Classification: Likely pathogenic for Medium-chain acyl-coenzyme A dehydrogenase deficiency. Last evaluated: 2024-02-01. Review status: criteria provided, single submitter. Criteria: ACMG Guidelines, 2015. Collection method: curation. Allele origin: germline. Affected: no.

Illumina Laboratory Services, Illumina
Classification: Uncertain significance for Medium-chain acyl-coenzyme A dehydrogenase deficiency. Last evaluated: 2017-04-27. Review status: criteria provided, single submitter. Criteria: ICSL Variant Classification Criteria 13 December 2019. Collection method: clinical testing. Allele origin: germline.
Comment: This variant was observed as part of a predisposition screen in an ostensibly healthy population. A literature search was performed for the gene, cDNA change, and amino acid change (where applicable). Publications were found based on this search. However, the evidence from the literature, in combination with allele frequency data from public databases where available, was not sufficient to rule this variant in or out of causing disease. Therefore, this variant is classified as a variant of unknown significance.

ARUP Laboratories, Molecular Genetics and Genomics, ARUP Laboratories
Classification: Uncertain significance for Medium-chain acyl-coenzyme A dehydrogenase deficiency. Last evaluated: 2015-02-20. Review status: criteria provided, single submitter. Criteria: ACMG Guidelines, 2015. Collection method: clinical testing. Allele origin: germline. Inheritance: Autosomal recessive inheritance. Observed: 1 heterozygote.

Kariminejad - Najmabadi Pathology & Genetics Center
Classification: Likely pathogenic for Medium-chain acyl-coenzyme A dehydrogenase deficiency. Review status: criteria provided, single submitter. Criteria: ACMG Guidelines, 2015. Collection method: clinical testing. Allele origin: germline. Affected: no.

PreventionGenetics, part of Exact Sciences
Classification: Uncertain significance for ACADM-related condition. Last evaluated: 2024-04-01. Review status: no assertion criteria provided. Collection method: clinical testing. Allele origin: germline. Not counted in ClinVar's aggregate classification.
Comment: The ACADM c.526G>T variant is predicted to result in the amino acid substitution p.Ala176Ser. To our knowledge, this variant has not been reported in the literature. This variant is reported in 0.035% of alleles in individuals of European (non-Finnish) descent in gnomAD. An alternate nucleotide substitution affecting the same amino acid (p.Ala176Thr) has been reported in the heterozygous state in an individual with medium chain acyl-CoA dehydrogenase deficiency (reported as p.Ala151Thr in Table 2, Nichols et al. 2008. PubMed ID: 18241067). Although we suspect that the c.526G>T (p.Ala176Ser) variant may be pathogenic, at this time, the clinical significance of this variant is uncertain due to the absence of conclusive functional and genetic evidence.

Natera, Inc.
Classification: Uncertain significance for Medium-chain acyl-coenzyme a dehydrogenase deficiency. Last evaluated: 2018-05-25. Review status: no assertion criteria provided. Collection method: clinical testing. Allele origin: germline. Not counted in ClinVar's aggregate classification.

Literature cited by the submitters: PubMed 18241067 (cited by Illumina Laboratory Services, Illumina).

NM_000016.6(ACADM):c.526G>T (p.Ala176Ser)

Gene: ACADM (acyl-CoA dehydrogenase medium chain; plus strand). Cytogenetic location: 1p31.1.
Variant type: single nucleotide variant.
Coding change: c.526G>T on transcript NM_000016.6 (MANE Select); coding-DNA position 526, G replaced by T.
Protein change: p.Ala176Ser; replaces alanine 176 with serine.
Molecular consequence: missense variant. On other transcripts: 5 prime UTR variant (1).
Genome position (GRCh38, 1-based): chr1:75,740,037, G>T. VCF-style: chr1-75740037-G-T. GRCh37 (hg19) VCF-style: chr1-76205722-G-T.
Other names: c.538G>T, p.Ala180Ser (NM_001127328.3); c.418G>T, p.Ala140Ser (NM_001286042.2); c.625G>T, p.Ala209Ser (NM_001286043.2); c.-42G>T (NM_001286044.2); short protein forms A176S, A180S, A209S, A140S.
Identifiers: ClinVar variation 226093 (VCV000226093.31), dbSNP rs200754053, ClinGen allele CA913130.
Genomic context (GRCh38, chr1:75,740,037, plus strand): 5'-AAGGCTTATTGTGTAACAGAACCTGGAGCAGGCTCTGATGTAGCTGGTATAAAGACCAAA[G>T]CAGAAAAGAAAGGAGATGAGTATATTATTAATGGTCAGAAGATGTGGATAACCAACGGAG-3'
Protein context (NP_000007.1, residues 166-186): GSDVAGIKTK[Ala176Ser]EKKGDEYIIN